The following is an entry in ClinVar:

NM_001458.5(FLNC):c.602-3C>T

Gene: FLNC (filamin C; plus strand). Cytogenetic location: 7q32.1.
Variant type: single nucleotide variant.
Coding change: c.602-3C>T on transcript NM_001458.5 (MANE Select); 3 bases into the intron before coding-DNA position 602, C replaced by T.
Molecular consequence: intron variant.
Genome position (GRCh38, 1-based): chr7:128,837,157, C>T. VCF-style: chr7-128837157-C-T. GRCh37 (hg19) VCF-style: chr7-128477211-C-T.
Other names: c.602-3C>T (NM_001127487.2).
Identifiers: ClinVar variation 1042321 (VCV001042321.7), dbSNP rs774453069, ClinGen allele CA4474079.
Genomic context (GRCh38, chr7:128,837,157, plus strand): 5'-AATGCCCTGCATCCTGGCCGGCTGGCTGCCCCTCACCATCGTCTCCCTCCATCACCTCTC[C>T]AGGTCTCTGCCCCGACTGGGAGGCCTGGGACCCCAACCAGCCCGTGGAGAACGCCCGGGA-3'

ClinVar aggregate classification (germline): Uncertain significance (1 of 4 stars; one submission).

Conditions:
Myofibrillar myopathy 5. Also called: FILAMINOPATHY, AUTOSOMAL DOMINANT; Filaminopathy (type). Identifiers: Orphanet 171445, MedGen C1836050, MONDO:0012289, OMIM 609524.
Distal myopathy with posterior leg and anterior hand involvement. Also called: WILLIAMS DISTAL MYOPATHY. Identifiers: Orphanet 63273, MedGen C3279722, MONDO:0013550, OMIM 614065.
Hypertrophic cardiomyopathy 26. Also called: Cardiomyopathy, familial hypertrophic, 26. Identifiers: Orphanet 75249, MedGen C4310749, MONDO:0014883, OMIM 617047.

Allele frequency attached by ClinVar (database versions not stated): TOPMed 0.00001; ExAC 0.00002; gnomAD exomes 0.00004.
gnomAD v4.1: 61 of 1,593,004 alleles (0.0038%); highest among the groups gnomAD compares: Non-Finnish European, 0.0051%; no homozygotes.

Submission:

Labcorp Genetics (formerly Invitae), Labcorp
Classification: Uncertain significance for Distal myopathy with posterior leg and anterior hand involvement; Myofibrillar myopathy 5; Hypertrophic cardiomyopathy 26. Last evaluated: 2025-09-15. Review status: criteria provided, single submitter. Criteria: Invitae Variant Classification Sherloc (09022015). Collection method: clinical testing. Allele origin: germline.
Comment: This sequence change falls in intron 2 of the FLNC gene. It does not directly change the encoded amino acid sequence of the FLNC protein. It affects a nucleotide within the consensus splice site. The frequency data for this variant in the population databases is considered unreliable, as metrics indicate poor data quality at this position in the gnomAD database. This variant has not been reported in the literature in individuals affected with FLNC-related conditions. ClinVar contains an entry for this variant (Variation ID: 1042321). Variants that disrupt the consensus splice site are a relatively common cause of aberrant splicing (PMID: 17576681, 9536098). Algorithms developed to predict the effect of sequence changes on RNA splicing suggest that this variant is not likely to affect RNA splicing. In summary, the available evidence is currently insufficient to determine the role of this variant in disease. Therefore, it has been classified as a Variant of Uncertain Significance.

Literature cited by the submitters: PubMed 17576681; PubMed 9536098.